The following is an entry in ClinVar:

NM_024417.5(FDXR):c.894G>A (p.Ser298=)

Gene: FDXR (ferredoxin reductase; minus strand). Cytogenetic location: 17q25.1.
Variant type: single nucleotide variant.
Coding change: c.894G>A on transcript NM_024417.5 (MANE Select); coding-DNA position 894, G replaced by A.
Protein change: p.Ser298=; no amino-acid change (serine 298 retained).
Molecular consequence: synonymous variant. On other transcripts: non-coding transcript variant (1).
Genome position (GRCh38, 1-based): chr17:74,864,256, C>T on the plus strand (G>A on the coding strand, the complement: FDXR is on the minus strand). VCF-style: chr17-74864256-C-T. GRCh37 (hg19) VCF-style: chr17-72860378-C-T.
Other names: c.1023G>A, p.Ser341= (NM_001258012.4); c.987G>A, p.Ser329= (NM_001258013.4); c.870G>A, p.Ser290= (NM_001258014.4); c.774G>A, p.Ser258= (NM_001258015.3); c.738G>A, p.Ser246= (NM_001258016.3); c.912G>A, p.Ser304= (NM_004110.6).
Identifiers: ClinVar variation 3047920 (VCV003047920.2), dbSNP rs369448948, ClinGen allele CA8752985.

ClinVar aggregate classification (germline): Likely benign (0 of 4 stars; one submission).

Conditions:
FDXR-related disorder. Also called: FDXR-related condition; FDXR-related disorders.

Allele frequency attached by ClinVar (database versions not stated): ExAC 0.00001; gnomAD 0.00001; TOPMed 0.00002; ESP Exome Variant Server 0.00008.

Submission:

PreventionGenetics, part of Exact Sciences
Classification: Likely benign for FDXR-related condition. Last evaluated: 2023-06-13. Review status: no assertion criteria provided. Collection method: clinical testing. Allele origin: germline.
Comment: This variant is classified as likely benign based on ACMG/AMP sequence variant interpretation guidelines (Richards et al. 2015 PMID: 25741868, with internal and published modifications).